The following is an entry in ClinVar:

NM_001458.5(FLNC):c.6004+19G>A

Genes: FLNC-AS1 (FLNC antisense RNA 1; minus strand), FLNC (filamin C; plus strand). Cytogenetic location: 7q32.1.
Variant type: single nucleotide variant.
Coding change: c.6004+19G>A on transcript NM_001458.5 (MANE Select); 19 bases into the intron after coding-DNA position 6004, G replaced by A.
Molecular consequence: intron variant.
Genome position (GRCh38, 1-based): chr7:128,852,771, G>A. VCF-style: chr7-128852771-G-A. GRCh37 (hg19) VCF-style: chr7-128492825-G-A.
Other names: c.5905+19G>A (NM_001127487.2).
Identifiers: ClinVar variation 258152 (VCV000258152.30), dbSNP rs12530507, ClinGen allele CA4475855.

ClinVar aggregate classification (germline): Benign/Likely benign. Review status: criteria provided, multiple submitters, no conflicts (2 of 4 stars). 10 submissions from 10 submitters: Benign (6); Likely benign (1). 3 of the submissions do not count toward it. Last evaluated 2026-02-04.

Conditions:
Myofibrillar myopathy 5. Also called: Filaminopathy (type); FILAMINOPATHY, AUTOSOMAL DOMINANT. Identifiers: Orphanet 171445, MedGen C1836050, MONDO:0012289, OMIM 609524.
Distal myopathy with posterior leg and anterior hand involvement. Also called: WILLIAMS DISTAL MYOPATHY. Identifiers: Orphanet 63273, MedGen C3279722, MONDO:0013550, OMIM 614065.
Hypertrophic cardiomyopathy 26. Also called: Cardiomyopathy, familial hypertrophic, 26. Identifiers: Orphanet 75249, MedGen C4310749, MONDO:0014883, OMIM 617047.

Allele frequency attached by ClinVar (database versions not stated): 1000 Genomes Project 0.00479; 1000 Genomes Project 30x 0.00562; TOPMed 0.01138; gnomAD exomes 0.01178; gnomAD 0.01193 and 0.01231; ExAC 0.01249; ESP Exome Variant Server 0.01313.
gnomAD v4.1: 26,849 of 1,613,312 alleles (1.7%); highest among the groups gnomAD compares: Non-Finnish European, 2%; 283 homozygotes.

Submissions (10):

Labcorp Genetics (formerly Invitae), Labcorp
Classification: Benign for Distal myopathy with posterior leg and anterior hand involvement; Myofibrillar myopathy 5; Hypertrophic cardiomyopathy 26. Last evaluated: 2026-02-04. Review status: criteria provided, single submitter. Criteria: Invitae Variant Classification Sherloc (09022015). Collection method: clinical testing. Allele origin: germline.

ARUP Laboratories, Molecular Genetics and Genomics, ARUP Laboratories
Classification: Benign. Last evaluated: 2025-07-28. Review status: criteria provided, single submitter. Criteria: ARUP Molecular Germline Variant Investigation Process 2024. Collection method: clinical testing. Allele origin: germline.

Blueprint Genetics
Classification: Likely benign. Last evaluated: 2024-11-26. Review status: criteria provided, single submitter. Criteria: ACMG Guidelines, 2015. Collection method: clinical testing. Allele origin: germline.

Women's Health and Genetics/Laboratory Corporation of America, LabCorp
Classification: Benign. Last evaluated: 2023-07-29. Review status: criteria provided, single submitter. Criteria: LabCorp Variant Classification Summary - May 2015. Collection method: clinical testing. Allele origin: germline.

GeneDx
Classification: Benign. Last evaluated: 2016-03-02. Review status: criteria provided, single submitter. Criteria: GeneDx Variant Classification (06012015). Collection method: clinical testing. Allele origin: germline. Affected: yes.
Comment: This variant is considered likely benign or benign based on one or more of the following criteria: it is a conservative change, it occurs at a poorly conserved position in the protein, it is predicted to be benign by multiple in silico algorithms, and/or has population frequency not consistent with disease.

Breakthrough Genomics
Classification: Benign. Review status: criteria provided, single submitter. Criteria: ACMG Guidelines, 2015. Collection method: not provided. Allele origin: germline. Inheritance: Autosomal dominant inheritance. Affected: yes.

PreventionGenetics, part of Exact Sciences
Classification: Benign. Review status: criteria provided, single submitter. Criteria: ACMG Guidelines, 2015. Collection method: clinical testing. Allele origin: germline.

Clinical Genetics, Academic Medical Center
Classification: Benign. Review status: no assertion criteria provided. Collection method: clinical testing. Allele origin: germline. Affected: yes. Study: VKGL Data-share Consensus. Not counted in ClinVar's aggregate classification.

Joint Genome Diagnostic Labs from Nijmegen and Maastricht, Radboudumc and MUMC+
Classification: Benign. Review status: no assertion criteria provided. Collection method: clinical testing. Allele origin: germline. Affected: yes. Study: VKGL Data-share Consensus. Not counted in ClinVar's aggregate classification.

Laboratory of Diagnostic Genome Analysis, Leiden University Medical Center (LUMC)
Classification: Likely benign. Review status: no assertion criteria provided. Collection method: clinical testing. Allele origin: germline. Affected: yes. Study: VKGL Data-share Consensus. Not counted in ClinVar's aggregate classification.